The following is an entry in ClinVar:

NM_000059.4(BRCA2):c.671A>T (p.Asp224Val)

Gene: BRCA2 (BRCA2 DNA repair associated; plus strand). Cytogenetic location: 13q13.1.
Variant type: single nucleotide variant.
Coding change: c.671A>T on transcript NM_000059.4 (MANE Select); coding-DNA position 671, A replaced by T.
Protein change: p.Asp224Val; replaces aspartic acid 224 with valine.
Molecular consequence: missense variant.
Genome position (GRCh38, 1-based): chr13:32,329,482, A>T. VCF-style: chr13-32329482-A-T. GRCh37 (hg19) VCF-style: chr13-32903619-A-T.
Other names: short protein forms D224V.
Identifiers: ClinVar variation 52169 (VCV000052169.8), dbSNP rs397507878, ClinGen allele CA024332.
Genomic context (GRCh38, chr13:32,329,482, plus strand): 5'-ACATAAATTTTTATCTTACAGTCAGAAATGAAGAAGCATCTGAAACTGTATTTCCTCATG[A>T]TACTACTGCTGTAAGTAAATATGACATTGATTAGACTGTTGAAATTGCTAACAATTTTGG-3'
Protein context (NP_000050.3, residues 214-234): EEASETVFPH[Asp224Val]TTANVKSYFS

ClinVar aggregate classification (germline): Uncertain significance. Review status: criteria provided, single submitter (1 of 4 stars). 2 submissions from 2 submitters: Uncertain significance (1). 1 of the submissions does not count toward it. Last evaluated 2023-04-13.

Conditions:
Hereditary breast ovarian cancer syndrome. Also called: Hereditary breast and ovarian cancer syndrome; Hereditary breast and ovarian cancer; Hereditary breast and ovarian cancer syndrome (HBOC); Breast and ovarian cancer; Hereditary breast and/or ovarian cancer syndrome; BRCA1- and BRCA2-Associated Hereditary Breast and Ovarian Cancer. Identifiers: Orphanet 145, MedGen C0677776, MeSH D061325, MONDO:0003582. Disease mechanism: loss of function.
Familial cancer of breast. Also called: BREAST CANCER, FAMILIAL; Hereditary breast cancer; hereditary breast carcinoma. Identifiers: Orphanet 227535, MedGen C0346153, MONDO:0016419, OMIM 114480. Disease mechanism: loss of function.

Submissions (2):

Labcorp Genetics (formerly Invitae), Labcorp
Classification: Uncertain significance for Hereditary breast ovarian cancer syndrome. Last evaluated: 2023-04-13. Review status: criteria provided, single submitter. Criteria: Invitae Variant Classification Sherloc (09022015). Collection method: clinical testing. Allele origin: germline.
Comment: In summary, the available evidence is currently insufficient to determine the role of this variant in disease. Therefore, it has been classified as a Variant of Uncertain Significance. Advanced modeling of protein sequence and biophysical properties (such as structural, functional, and spatial information, amino acid conservation, physicochemical variation, residue mobility, and thermodynamic stability) performed at Invitae indicates that this missense variant is not expected to disrupt BRCA2 protein function. ClinVar contains an entry for this variant (Variation ID: 52169). This variant has not been reported in the literature in individuals affected with BRCA2-related conditions. This variant is not present in population databases (gnomAD no frequency). This sequence change replaces aspartic acid, which is acidic and polar, with valine, which is neutral and non-polar, at codon 224 of the BRCA2 protein (p.Asp224Val).

ClinVar Staff, National Center for Biotechnology Information (NCBI)
No classification provided. Condition: Familial cancer of breast. Review status: no classification provided. Collection method: literature only. Allele origin: germline. Affected: yes. Not counted in ClinVar's aggregate classification.

Literature cited by the submitters: PubMed 17636422 (cited by ClinVar Staff, National Center for Biotechnology Information (NCBI)).